The following is an entry in ClinVar:

ClinVar aggregate classification (germline): Benign. Review status: criteria provided, single submitter (1 of 4 stars). 2 submissions from 2 submitters: Benign (1). 1 of the submissions does not count toward it. Last evaluated 2021-08-17.

Conditions:
TBXT-related disorder. Also called: TBXT-related condition.

Allele frequency attached by ClinVar (database versions not stated): gnomAD exomes 0.20792 and 0.20852; 1000 Genomes Project 0.21226; ExAC 0.21350; 1000 Genomes Project 30x 0.21799; gnomAD 0.24659 and 0.25344; TOPMed 0.25574; ESP Exome Variant Server 0.25680.
gnomAD v4.1: 341,746 of 1,613,756 alleles (21%); highest among the groups gnomAD compares: African/African-American, 37%; 38,437 homozygotes.

Submissions (2):

GeneDx
Classification: Benign. Last evaluated: 2021-08-17. Review status: criteria provided, single submitter. Criteria: GeneDx Variant Classification Process June 2021. Collection method: clinical testing. Allele origin: germline. Affected: yes.

PreventionGenetics, part of Exact Sciences
Classification: Benign for TBXT-related condition. Last evaluated: 2019-05-02. Review status: no assertion criteria provided. Collection method: clinical testing. Allele origin: germline. Not counted in ClinVar's aggregate classification.
Comment: This variant is classified as benign based on ACMG/AMP sequence variant interpretation guidelines (Richards et al. 2015 PMID: 25741868, with internal and published modifications).

NM_001366285.2(TBXT):c.363C>T (p.Ser121=)

Gene: TBXT (T-box transcription factor T; minus strand). Cytogenetic location: 6q27.
Variant type: single nucleotide variant.
Coding change: c.363C>T on transcript NM_001366285.2 (MANE Select); coding-DNA position 363, C replaced by T.
Protein change: p.Ser121=; no amino-acid change (serine 121 retained).
Molecular consequence: synonymous variant.
Genome position (GRCh38, 1-based): chr6:166,166,700, G>A on the plus strand (C>T on the coding strand, the complement: TBXT is on the minus strand). VCF-style: chr6-166166700-G-A. GRCh37 (hg19) VCF-style: chr6-166580188-G-A.
Other names: c.363C>T, p.Ser121= (NM_001270484.2, NM_001366286.2, NM_003181.4).
Identifiers: ClinVar variation 1302242 (VCV001302242.4), dbSNP rs1056048, ClinGen allele CA4093098.